The following is an entry in ClinVar:

NM_002016.2(FLG):c.11440C>T (p.Arg3814Cys)

Genes: CCDST (cervical cancer associated DHX9 suppressive transcript; plus strand), FLG (filaggrin; minus strand). Cytogenetic location: 1q21.3.
Variant type: single nucleotide variant.
Coding change: c.11440C>T on transcript NM_002016.2 (MANE Select); coding-DNA position 11440, C replaced by T.
Protein change: p.Arg3814Cys; replaces arginine 3814 with cysteine.
Molecular consequence: missense variant.
Genome position (GRCh38, 1-based): chr1:152,303,446, G>A on the plus strand (C>T on the coding strand, the complement: FLG is on the minus strand). VCF-style: chr1-152303446-G-A. GRCh37 (hg19) VCF-style: chr1-152275922-G-A.
Other names: short protein forms R3814C.
Identifiers: ClinVar variation 2345496 (VCV002345496.26), dbSNP rs146212122, ClinGen allele CA1102909.

ClinVar aggregate classification (germline): Conflicting classifications of pathogenicity. Review status: criteria provided, conflicting classifications (1 of 4 stars). 2 submissions from 2 submitters: Uncertain significance (1); Likely benign (1). Last evaluated 2024-01-09.

Conditions:
Inborn genetic diseases. Identifiers: MedGen C0950123, MeSH D030342.

Allele frequency attached by ClinVar (database versions not stated): 1000 Genomes Project 30x 0.00047; 1000 Genomes Project 0.00060; TOPMed 0.00130; ESP Exome Variant Server 0.00284.
gnomAD v4.1: 3,689 of 1,613,782 alleles (0.23%); highest among the groups gnomAD compares: Non-Finnish European, 0.28%; 11 homozygotes.

Submissions (2):

Ambry Genetics
Classification: Uncertain significance for Inborn genetic diseases. Last evaluated: 2024-01-09. Review status: criteria provided, single submitter. Criteria: Ambry Variant Classification Scheme 2023. Collection method: clinical testing. Allele origin: germline.

CeGaT Center for Human Genetics Tuebingen
Classification: Likely benign. Last evaluated: 2024-01-01. Review status: criteria provided, single submitter. Criteria: CeGaT Center For Human Genetics Tuebingen Variant Classification Criteria Version 2. Collection method: clinical testing. Allele origin: germline. Affected: yes. Observed: 2 variant alleles.
Comment: FLG: BP4, BS2